The following is an entry in ClinVar:

ClinVar aggregate classification (germline): Likely pathogenic. Review status: criteria provided, multiple submitters, no conflicts (2 of 4 stars). 4 submissions from 4 submitters: Likely pathogenic (4). Last evaluated 2025-12-04.

Conditions:
Cardiovascular phenotype. Identifiers: MedGen CN230736.
Cardiac arrhythmia. Also called: Cardiac rhythm disease; Arrhythmia. Identifiers: MedGen C0003811, MONDO:0007263, HP:0011675.
Long QT syndrome (LQTS). Identifiers: MedGen C0023976, MeSH D008133, MONDO:0002442. Disease mechanism: loss of function. Inheritance: Various modes of inheritance.

Allele frequency attached by ClinVar (database versions not stated): gnomAD exomes below 0.00001.

Submissions (4):

Molecular Diagnostic Laboratory for Inherited Cardiovascular Disease, Montreal Heart Institute
Classification: Likely pathogenic for Cardiovascular phenotype. Last evaluated: 2025-12-04. Review status: criteria provided, single submitter. Criteria: ACMG Guidelines, 2015. Collection method: clinical testing. Allele origin: germline. Affected: yes.
Comment: PVS1_strong, PM2, PM3, PS4_supp

Color Diagnostics, LLC DBA Color Health
Classification: Likely pathogenic for Cardiac arrhythmia. Last evaluated: 2025-06-10. Review status: criteria provided, single submitter. Criteria: ACMG Guidelines, 2015. Collection method: clinical testing. Allele origin: germline.
Comment: This variant replaces A nucleotide with C nucleotide at -2 position in intron 7 of the KCNQ1 gene. Splicing prediction tools indicate that this variant may weaken the splice acceptor site significantly and disrupt KCNQ1 gene function. This variant has been reported in individuals affected with long QT syndrome (PMID: 31737537, 32383558). This variant has been identified in 1/251374 chromosomes in the general population by the Genome Aggregation Database (gnomAD). Loss of KCNQ1 function is a known mechanism of disease. Based on the available evidence, this variant is classified as Likely Pathogenic.

Labcorp Genetics (formerly Invitae), Labcorp
Classification: Likely pathogenic for Long QT syndrome. Last evaluated: 2024-04-25. Review status: criteria provided, single submitter. Criteria: Invitae Variant Classification Sherloc (09022015). Collection method: clinical testing. Allele origin: germline.
Comment: This sequence change affects an acceptor splice site in intron 7 of the KCNQ1 gene. It is expected to disrupt RNA splicing. Variants that disrupt the donor or acceptor splice site typically lead to a loss of protein function (PMID: 16199547), and loss-of-function variants in KCNQ1 are known to be pathogenic (PMID: 9323054, 19862833). This variant is present in population databases (rs794728523, gnomAD 0.0009%). Disruption of this splice site has been observed in individual(s) with KCNQ1-related conditions (PMID: 31737537, 32383558, 36578016). ClinVar contains an entry for this variant (Variation ID: 200835). Algorithms developed to predict the effect of sequence changes on RNA splicing suggest that this variant may disrupt the consensus splice site. In summary, the currently available evidence indicates that the variant is pathogenic, but additional data are needed to prove that conclusively. Therefore, this variant has been classified as Likely Pathogenic.

GeneDx
Classification: Likely pathogenic. Last evaluated: 2020-01-06. Review status: criteria provided, single submitter. Criteria: GeneDx Variant Classification Process June 2021. Collection method: clinical testing. Allele origin: germline. Affected: yes.
Comment: Has not been previously published as pathogenic or benign to our knowledge; Not observed at a significant frequency in large population cohorts (Lek et al., 2016); Canonical splice site variant predicted to result in aberrant splicing, though the precise splice outcome is unknown; This variant is associated with the following publications: (PMID: 31737537, 32383558)

Literature cited by the submitters: PubMed 31737537 (cited by Color Diagnostics, LLC DBA Color Health and Labcorp Genetics (formerly Invitae), Labcorp); PubMed 32383558 (cited by Color Diagnostics, LLC DBA Color Health and Labcorp Genetics (formerly Invitae), Labcorp); PubMed 16199547 (cited by Labcorp Genetics (formerly Invitae), Labcorp); PubMed 9323054 (cited by Labcorp Genetics (formerly Invitae), Labcorp); PubMed 19862833 (cited by Labcorp Genetics (formerly Invitae), Labcorp); PubMed 36578016 (cited by Labcorp Genetics (formerly Invitae), Labcorp).

NM_000218.3(KCNQ1):c.1033-2A>C

Gene: KCNQ1 (potassium voltage-gated channel subfamily Q member 1; plus strand). Cytogenetic location: 11p15.5.
Variant type: single nucleotide variant.
Coding change: c.1033-2A>C on transcript NM_000218.3 (MANE Select); the canonical splice acceptor site of the intron before coding-DNA position 1033, A replaced by C.
Molecular consequence: splice acceptor variant. On other transcripts: intron variant (2).
Genome position (GRCh38, 1-based): chr11:2,585,210, A>C. VCF-style: chr11-2585210-A-C. GRCh37 (hg19) VCF-style: chr11-2606440-A-C.
Other names: c.763-2A>C (NM_001406837.1); c.1032+1665A>C (NM_001406836.1); c.588+1665A>C (NM_001406838.1); c.652-2A>C (NM_181798.2).
Identifiers: ClinVar variation 200835 (VCV000200835.9), dbSNP rs794728523, ClinGen allele CA005023.
Genomic context (GRCh38, chr11:2,585,210, plus strand): 5'-GAGGCTGCACCCAGCTGGCAGTGGCCTGTGTGGACGGGAGCCTCCTGTCCATTCCTTCCC[A>C]GGGGATTCTTGGCTCGGGGTTTGCCCTGAAGGTGCAGCAGAAGCAGAGGCAGAAGCACTT-3'